The following is an entry in ClinVar:

NM_001379286.1(ZNF423):c.295C>G (p.Pro99Ala)

Gene: ZNF423 (zinc finger protein 423; minus strand). Cytogenetic location: 16q12.1.
Variant type: single nucleotide variant.
Coding change: c.295C>G on transcript NM_001379286.1 (MANE Select); coding-DNA position 295, C replaced by G.
Protein change: p.Pro99Ala; replaces proline 99 with alanine.
Molecular consequence: missense variant.
Genome position (GRCh38, 1-based): chr16:49,730,777, G>C on the plus strand (C>G on the coding strand, the complement: ZNF423 is on the minus strand). VCF-style: chr16-49730777-G-C. GRCh37 (hg19) VCF-style: chr16-49764688-G-C.
Other names: c.271C>G (NM_015069.2); c.91C>G, p.Pro31Ala (NM_001271620.2); c.271C>G, p.Pro91Ala (NM_015069.5); short protein forms P31A, P91A, P99A.
Identifiers: ClinVar variation 1013846 (VCV001013846.7), dbSNP rs1290786208, ClinGen allele CA396110168.

ClinVar aggregate classification (germline): Uncertain significance. Review status: criteria provided, multiple submitters, no conflicts (2 of 4 stars). 3 submissions from 3 submitters: Uncertain significance (3). Last evaluated 2024-08-28.

Conditions:
Nephronophthisis 14 (NPHP14). Identifiers: Orphanet 2318, MedGen C3539071, MONDO:0013916, OMIM 614844.

Allele frequency attached by ClinVar (database versions not stated): gnomAD exomes below 0.00001 and 0.00003; gnomAD 0.00001; TOPMed 0.00003.
gnomAD v4.1: 41 of 1,614,082 alleles (0.0025%); highest among the groups gnomAD compares: Non-Finnish European, 0.0035%; no homozygotes.

Submissions (3):

Blueprint Genetics
Classification: Uncertain significance. Last evaluated: 2024-08-28. Review status: criteria provided, single submitter. Criteria: ACMG Guidelines, 2015. Collection method: clinical testing. Allele origin: germline.

Labcorp Genetics (formerly Invitae), Labcorp
Classification: Uncertain significance for Nephronophthisis 14. Last evaluated: 2022-07-16. Review status: criteria provided, single submitter. Criteria: Invitae Variant Classification Sherloc (09022015). Collection method: clinical testing. Allele origin: germline.
Comment: This sequence change replaces proline, which is neutral and non-polar, with alanine, which is neutral and non-polar, at codon 91 of the ZNF423 protein (p.Pro91Ala). This variant is present in population databases (no rsID available, gnomAD 0.002%). This variant has not been reported in the literature in individuals affected with ZNF423-related conditions. ClinVar contains an entry for this variant (Variation ID: 1013846). Algorithms developed to predict the effect of missense changes on protein structure and function (SIFT, PolyPhen-2, Align-GVGD) all suggest that this variant is likely to be tolerated. In summary, the available evidence is currently insufficient to determine the role of this variant in disease. Therefore, it has been classified as a Variant of Uncertain Significance.

Ambry Genetics
Classification: Uncertain significance. Last evaluated: 2021-07-13. Review status: criteria provided, single submitter. Criteria: Ambry Variant Classification Scheme 2023. Collection method: clinical testing. Allele origin: germline.